The following is an entry in ClinVar:

NM_000553.6(WRN):c.1606C>G (p.Gln536Glu)

Gene: WRN (WRN RecQ like helicase; plus strand). Cytogenetic location: 8p12.
Variant type: single nucleotide variant.
Coding change: c.1606C>G on transcript NM_000553.6 (MANE Select); coding-DNA position 1606, C replaced by G.
Protein change: p.Gln536Glu; replaces glutamine 536 with glutamic acid.
Molecular consequence: missense variant.
Genome position (GRCh38, 1-based): chr8:31,088,919, C>G. VCF-style: chr8-31088919-C-G. GRCh37 (hg19) VCF-style: chr8-30946435-C-G.
Other names: short protein forms Q536E.
Identifiers: ClinVar variation 404042 (VCV000404042.6), dbSNP rs1060500075, ClinGen allele CA16612427.

ClinVar aggregate classification (germline): Uncertain significance (1 of 4 stars; one submission).

Conditions:
Werner syndrome (WRN). Identifiers: Orphanet 902, MedGen C0043119, MONDO:0010196, OMIM 277700.

Allele frequency attached by ClinVar (database versions not stated): gnomAD exomes below 0.00001.
gnomAD v4.1: 1 of 1,611,518 alleles (0.000062%); highest among the groups gnomAD compares: Non-Finnish European, 0.000085%; no homozygotes.

Submission:

Labcorp Genetics (formerly Invitae), Labcorp
Classification: Uncertain significance for Werner syndrome. Last evaluated: 2021-08-22. Review status: criteria provided, single submitter. Criteria: Invitae Variant Classification Sherloc (09022015). Collection method: clinical testing. Allele origin: germline.
Comment: This sequence change replaces glutamine with glutamic acid at codon 536 of the WRN protein (p.Gln536Glu). The glutamine residue is moderately conserved and there is a small physicochemical difference between glutamine and glutamic acid. This variant is not present in population databases (ExAC no frequency). This variant has not been reported in the literature in individuals with WRN-related disease. ClinVar contains an entry for this variant (Variation ID: 404042). Algorithms developed to predict the effect of missense changes on protein structure and function (SIFT, PolyPhen-2, Align-GVGD) all suggest that this variant is likely to be tolerated, but these predictions have not been confirmed by published functional studies and their clinical significance is uncertain. In summary, the available evidence is currently insufficient to determine the role of this variant in disease. Therefore, it has been classified as a Variant of Uncertain Significance.